The following is an entry in ClinVar:

NM_080680.3(COL11A2):c.1873-14A>G

Gene: COL11A2 (collagen type XI alpha 2 chain; minus strand). Cytogenetic location: 6p21.32.
Variant type: single nucleotide variant.
Coding change: c.1873-14A>G on transcript NM_080680.3 (MANE Select); 14 bases into the intron before coding-DNA position 1873, A replaced by G.
Molecular consequence: intron variant.
Genome position (GRCh38, 1-based): chr6:33,177,720, T>C on the plus strand (A>G on the coding strand, the complement: COL11A2 is on the minus strand). VCF-style: chr6-33177720-T-C. GRCh37 (hg19) VCF-style: chr6-33145497-T-C.
Other names: c.1552-14A>G (NM_080679.3); c.1615-14A>G (NM_080681.3).
Identifiers: ClinVar variation 356404 (VCV000356404.14), dbSNP rs149099562, ClinGen allele CA3751145.

ClinVar aggregate classification (germline): Benign/Likely benign. Review status: criteria provided, multiple submitters, no conflicts (2 of 4 stars). 4 submissions from 3 submitters: Benign (1); Likely benign (3). Last evaluated 2026-02-02.

Conditions:
Fibrochondrogenesis 2 (FBCG2). Identifiers: Orphanet 2021, MedGen C3281128, MONDO:0013795, OMIM 614524.
Otospondylomegaepiphyseal dysplasia, autosomal recessive (OSMEDB). Also called: CHONDRODYSTROPHY WITH SENSORINEURAL DEAFNESS; Insley-Astley syndrome. Identifiers: Orphanet 1427, MedGen CN034493, MONDO:0044206, OMIM 215150.

Allele frequency attached by ClinVar (database versions not stated): gnomAD 0.00021 and 0.00026; TOPMed 0.00027; gnomAD exomes 0.00058; ExAC 0.00064; 1000 Genomes Project 30x 0.00094; 1000 Genomes Project 0.00100.
gnomAD v4.1: 162 of 1,612,686 alleles (0.01%); highest among the groups gnomAD compares: East Asian, 0.34%; 2 homozygotes.

Submissions (4):

Labcorp Genetics (formerly Invitae), Labcorp
Classification: Benign. Last evaluated: 2026-02-02. Review status: criteria provided, single submitter. Criteria: Invitae Variant Classification Sherloc (09022015). Collection method: clinical testing. Allele origin: germline.

Blueprint Genetics
Classification: Likely benign. Last evaluated: 2024-11-06. Review status: criteria provided, single submitter. Criteria: ACMG Guidelines, 2015. Collection method: clinical testing. Allele origin: germline.

Illumina Laboratory Services, Illumina
Classification: Likely benign for Fibrochondrogenesis 2. Last evaluated: 2018-01-13. Review status: criteria provided, single submitter. Criteria: ICSL Variant Classification Criteria 13 December 2019. Collection method: clinical testing. Allele origin: germline.
Comment: This variant was observed in the ICSL laboratory as part of a predisposition screen in an ostensibly healthy population. It had not been previously curated by ICSL or reported in the Human Gene Mutation Database (HGMD: prior to June 1st, 2018), and was therefore a candidate for classification through an automated scoring system. Utilizing variant allele frequency, disease prevalence and penetrance estimates, and inheritance mode, an automated score was calculated to assess if this variant is too frequent to cause the disease. Based on the score and internal cut-off values, a variant classified as likely benign is not then subjected to further curation. The score for this variant resulted in a classification of likely benign for this disease.

Illumina Laboratory Services, Illumina
Classification: Likely benign for Otospondylomegaepiphyseal dysplasia, autosomal recessive. Last evaluated: 2018-01-13. Review status: criteria provided, single submitter. Criteria: ICSL Variant Classification Criteria 13 December 2019. Collection method: clinical testing. Allele origin: germline.
Comment: the same text as in the submission from Illumina Laboratory Services, Illumina above.